The following is an entry in ClinVar:

NM_001082486.2(ACD):c.-35C>T

Gene: ACD (ACD shelterin complex subunit and telomerase recruitment factor; minus strand). Cytogenetic location: 16q22.1.
Variant type: single nucleotide variant.
Coding change: c.-35C>T on transcript NM_001082486.2 (MANE Select); 35 bases upstream of the start codon, C replaced by T.
Molecular consequence: 5 prime UTR variant.
Genome position (GRCh38, 1-based): chr16:67,660,255, G>A on the plus strand (C>T on the coding strand, the complement: ACD is on the minus strand). VCF-style: chr16-67660255-G-A. GRCh37 (hg19) VCF-style: chr16-67694158-G-A.
Other names: c.-35C>T (NM_001410884.1, NM_022914.3).
Identifiers: ClinVar variation 2452463 (VCV002452463.3), dbSNP rs895563147, ClinGen allele CA283218769.
Genomic context (GRCh38, chr16:67,660,255, plus strand): 5'-AGGACCAGCCTCCCCGAACCTGCCATCCCCACGGCTACACCCAGCGGATGCAACGGGCCC[G>A]GGTTTCCCGCGGGCGCCCAGGCCCCGCCTTTCCTCGGAAGAGGAAGCTCCTTCGCTGGGC-3'

ClinVar aggregate classification (germline): Uncertain significance. Review status: criteria provided, multiple submitters, no conflicts (2 of 4 stars). 2 submissions from 2 submitters: Uncertain significance (2). Last evaluated 2023-03-11.

Conditions:
Inborn genetic diseases. Identifiers: MedGen C0950123, MeSH D030342.
ACD-related disorder. Also called: ACD-related condition.

Allele frequency attached by ClinVar (database versions not stated): gnomAD exomes below 0.00001.
gnomAD v4.1: 4 of 1,612,366 alleles (0.00025%); highest among the groups gnomAD compares: African/African-American, 0.0027%; no homozygotes.

Submissions (2):

Ambry Genetics
Classification: Uncertain significance for Inborn genetic diseases. Last evaluated: 2023-03-11. Review status: criteria provided, single submitter. Criteria: Ambry Variant Classification Scheme 2023. Collection method: clinical testing. Allele origin: germline.
Comment: The p.P75L variant (also known as c.224C>T), located in coding exon 1 of the ACD gene, results from a C to T substitution at nucleotide position 224. The proline at codon 75 is replaced by leucine, an amino acid with similar properties. This amino acid position is conserved. In addition, this alteration is predicted to be tolerated by in silico analysis. Since supporting evidence is limited at this time, the clinical significance of this alteration remains unclear.

PreventionGenetics, part of Exact Sciences
Classification: Uncertain significance for ACD-related condition. Last evaluated: 2023-01-09. Review status: criteria provided, single submitter. Criteria: ACMG Guidelines, 2015. Collection method: clinical testing. Allele origin: germline.
Comment: The ACD c.224C>T variant is predicted to result in the amino acid substitution p.Pro75Leu. To our knowledge, this variant has not been reported in the literature. This variant is reported in 0.00093% of alleles in individuals of European (Non-Finnish) descent in gnomAD. At this time, the clinical significance of this variant is uncertain due to the absence of conclusive functional and genetic evidence.